The following is an entry in ClinVar:

NM_024422.6(DSC2):c.2387C>A (p.Ser796Tyr)

Gene: DSC2 (desmocollin 2; minus strand). Cytogenetic location: 18q12.1.
Variant type: single nucleotide variant.
Coding change: c.2387C>A on transcript NM_024422.6 (MANE Select); coding-DNA position 2387, C replaced by A.
Protein change: p.Ser796Tyr; replaces serine 796 with tyrosine.
Molecular consequence: missense variant.
Genome position (GRCh38, 1-based): chr18:31,069,015, G>T on the plus strand (C>A on the coding strand, the complement: DSC2 is on the minus strand). VCF-style: chr18-31069015-G-T. GRCh37 (hg19) VCF-style: chr18-28648981-G-T.
Other names: c.1958C>A, p.Ser653Tyr (NM_001406506.1, NM_001406507.1); c.2387C>A, p.Ser796Tyr (NM_004949.5); short protein forms S653Y, S796Y.
Identifiers: ClinVar variation 3626551 (VCV003626551.2).

ClinVar aggregate classification (germline): Uncertain significance (1 of 4 stars; one submission).

Conditions:
Arrhythmogenic right ventricular dysplasia 11. Also called: ARRHYTHMOGENIC RIGHT VENTRICULAR DYSPLASIA, FAMILIAL, 11; Arrhythmogenic Right Ventricular Dysplasia/Cardiomyopathy11; Arrhythmogenic right ventricular dysplasia 11 with mild palmoplantar keratoderma and woolly hair. Identifiers: MedGen C1864850, MONDO:0012506, OMIM 610476.

Submission:

Labcorp Genetics (formerly Invitae), Labcorp
Classification: Uncertain significance for Arrhythmogenic right ventricular dysplasia 11. Last evaluated: 2024-10-16. Review status: criteria provided, single submitter. Criteria: Invitae Variant Classification Sherloc (09022015). Collection method: clinical testing. Allele origin: germline.
Comment: This sequence change replaces serine, which is neutral and polar, with tyrosine, which is neutral and polar, at codon 796 of the DSC2 protein (p.Ser796Tyr). This variant is not present in population databases (gnomAD no frequency). This variant has not been reported in the literature in individuals affected with DSC2-related conditions. Invitae Evidence Modeling of protein sequence and biophysical properties (such as structural, functional, and spatial information, amino acid conservation, physicochemical variation, residue mobility, and thermodynamic stability) indicates that this missense variant is not expected to disrupt DSC2 protein function with a negative predictive value of 80%. In summary, the available evidence is currently insufficient to determine the role of this variant in disease. Therefore, it has been classified as a Variant of Uncertain Significance.